The following is an entry in ClinVar:

NM_004525.3(LRP2):c.2485C>T (p.Arg829Trp)

Gene: LRP2 (LDL receptor related protein 2; minus strand). Cytogenetic location: 2q31.1.
Variant type: single nucleotide variant.
Coding change: c.2485C>T on transcript NM_004525.3 (MANE Select); coding-DNA position 2485, C replaced by T.
Protein change: p.Arg829Trp; replaces arginine 829 with tryptophan.
Molecular consequence: missense variant.
Genome position (GRCh38, 1-based): chr2:169,259,053, G>A on the plus strand (C>T on the coding strand, the complement: LRP2 is on the minus strand). VCF-style: chr2-169259053-G-A. GRCh37 (hg19) VCF-style: chr2-170115563-G-A.
Other names: short protein forms R829W.
Identifiers: ClinVar variation 211394 (VCV000211394.12), dbSNP rs368619363, ClinGen allele CA206518.

ClinVar aggregate classification (germline): Uncertain significance. Review status: criteria provided, multiple submitters, no conflicts (2 of 4 stars). 6 submissions from 6 submitters: Uncertain significance (6). Last evaluated 2026-08-26.

Conditions:
LRP2-related disorder. Also called: LRP2-related condition.
Inborn genetic diseases. Identifiers: MedGen C0950123, MeSH D030342.
Donnai-Barrow syndrome. Also called: DBS/FOAR SYNDROME; FACIOOCULOACOUSTICORENAL SYNDROME. Identifiers: Orphanet 2143, MedGen C1857277, MONDO:0009104, OMIM 222448.

Allele frequency attached by ClinVar (database versions not stated): gnomAD exomes 0.00002; ExAC 0.00003; gnomAD 0.00004 and 0.00005; TOPMed 0.00006; ESP Exome Variant Server 0.00008.
gnomAD v4.1: 125 of 1,613,106 alleles (0.0077%); highest among the groups gnomAD compares: Non-Finnish European, 0.0099%; no homozygotes.

Submissions (6):

PreventionGenetics, part of Exact Sciences
Classification: Uncertain significance for LRP2-related condition. Last evaluated: 2026-08-26. Review status: criteria provided, single submitter. Criteria: ACMG Guidelines, 2015. Collection method: clinical testing. Allele origin: germline.
Comment: The LRP2 c.2485C>T variant is predicted to result in the amino acid substitution p.Arg829Trp. To our knowledge, this variant has not been reported in the literature. This variant is reported in 0.0058% of alleles in individuals of Latino descent in gnomAD. At this time, the clinical significance of this variant is uncertain due to the absence of conclusive functional and genetic evidence.

Ambry Genetics
Classification: Uncertain significance for Inborn genetic diseases. Last evaluated: 2024-12-09. Review status: criteria provided, single submitter. Criteria: Ambry Variant Classification Scheme 2023. Collection method: clinical testing. Allele origin: germline.

Labcorp Genetics (formerly Invitae), Labcorp
Classification: Uncertain significance. Last evaluated: 2022-01-26. Review status: criteria provided, single submitter. Criteria: Invitae Variant Classification Sherloc (09022015). Collection method: clinical testing. Allele origin: germline.
Comment: This sequence change replaces arginine, which is basic and polar, with tryptophan, which is neutral and slightly polar, at codon 829 of the LRP2 protein (p.Arg829Trp). This variant is present in population databases (rs368619363, gnomAD 0.004%). This variant has not been reported in the literature in individuals affected with LRP2-related conditions. ClinVar contains an entry for this variant (Variation ID: 211394). Advanced modeling of protein sequence and biophysical properties (such as structural, functional, and spatial information, amino acid conservation, physicochemical variation, residue mobility, and thermodynamic stability) performed at Invitae indicates that this missense variant is expected to disrupt LRP2 protein function. In summary, the available evidence is currently insufficient to determine the role of this variant in disease. Therefore, it has been classified as a Variant of Uncertain Significance.

Genome-Nilou Lab
Classification: Uncertain significance for Donnai-Barrow syndrome. Last evaluated: 2021-07-15. Review status: criteria provided, single submitter. Criteria: ACMG Guidelines, 2015. Collection method: clinical testing. Allele origin: germline. Affected: no.

Fulgent Genetics
Classification: Uncertain significance for Donnai-Barrow syndrome. Last evaluated: 2018-10-31. Review status: criteria provided, single submitter. Criteria: ACMG Guidelines, 2015. Collection method: clinical testing. Allele origin: unknown.

Genetic Services Laboratory, University of Chicago
Classification: Uncertain significance. Last evaluated: 2014-06-05. Review status: criteria provided, single submitter. Criteria: ACMG Guidelines, 2015. Collection method: clinical testing. Allele origin: germline.